The following is an entry in ClinVar:

NM_004782.4(SNAP29):c.250C>T (p.Gln84Ter)

Gene: SNAP29 (synaptosome associated protein 29; plus strand). Cytogenetic location: 22q11.21.
Variant type: single nucleotide variant.
Coding change: c.250C>T on transcript NM_004782.4 (MANE Select); coding-DNA position 250, C replaced by T.
Protein change: p.Gln84Ter; replaces glutamine 84 with a stop codon.
Molecular consequence: nonsense.
Genome position (GRCh38, 1-based): chr22:20,870,349, C>T. VCF-style: chr22-20870349-C-T. GRCh37 (hg19) VCF-style: chr22-21224637-C-T.
Other names: short protein forms Q84*.
Identifiers: ClinVar variation 620507 (VCV000620507.1), dbSNP rs1315355162, ClinGen allele CA410756016.

ClinVar aggregate classification (germline): Pathogenic (1 of 4 stars; one submission).

gnomAD v4.1: 2 of 1,614,052 alleles (0.00012%); highest among the groups gnomAD compares: South Asian, 0.0022%; no homozygotes.

Submission:

GeneDx
Classification: Pathogenic. Last evaluated: 2018-11-30. Review status: criteria provided, single submitter. Criteria: GeneDx Variant Classification (06012015). Collection method: clinical testing. Allele origin: germline. Affected: yes.
Comment: The Q84X variant in the SNAP29 gene has not been reported previously as a pathogenic variant nor as a benign variant, to our knowledge. This variant is predicted to cause loss of normal protein function either through protein truncation or nonsense-mediated mRNA decay. The Q84X variant is not observed at a significant frequency in large population cohorts (Lek et al., 2016).